The following is an entry in ClinVar:

NM_001197104.2(KMT2A):c.4433del (p.Arg1478fs)

Gene: KMT2A (lysine methyltransferase 2A; plus strand). Cytogenetic location: 11q23.3.
Variant type: Deletion.
Coding change: c.4433del on transcript NM_001197104.2 (MANE Select); coding-DNA position 4433, one base deleted (G; older notation c.4433delG).
Protein change: p.Arg1478fs; shifts the reading frame from arginine 1478.
Molecular consequence: frameshift variant.
Genome position (GRCh38, 1-based): chr11:118,488,714, G deleted. VCF-style (leftmost placement, unchanged base first): chr11-118488713-CG-C. GRCh37 (hg19) VCF-style: chr11-118359428-CG-C.
Other names: c.4433del, p.Arg1478fs (NM_005933.4); c.4433delG (NM_001197104.1); short protein forms R1478fs.
Identifiers: ClinVar variation 423946 (VCV000423946.2), dbSNP rs1064796711, ClinGen allele CA16619277.

ClinVar aggregate classification (germline): Pathogenic (1 of 4 stars; one submission).

Submission:

GeneDx
Classification: Pathogenic. Last evaluated: 2017-03-02. Review status: criteria provided, single submitter. Criteria: GeneDx Variant Classification (06012015). Collection method: clinical testing. Allele origin: germline. Affected: yes.
Comment: The c.4433delG variant in the KMT2A gene has not been reported previously as a pathogenic variant nor as a benign variant, to our knowledge. The c.4433delG variant causes a frameshift starting with codon Arginine 1478, changes this amino acid to a Leucine residue, and creates a premature Stop codon at position 108 of the new reading frame, denoted p.Arg1478LeufsX108. This variant is predicted to cause loss of normal protein function either through protein truncation or nonsense-mediated mRNA decay. Additionally, the c.4433delG variant is not observed in large population cohorts (Lek et al., 2016; 1000 Genomes Consortium et al., 2015; Exome Variant Server). Therefore, we interpret c.4433delG as a pathogenic variant